The following is an entry in ClinVar:

GRCh37/hg19 3q26.1(chr3:164696665-164751252)

Gene: SI (sucrase-isomaltase; minus strand). Cytogenetic location: 3q26.1.
Variant type: copy number loss.
Identifiers: ClinVar variation 1179208 (VCV001179208.2).

ClinVar aggregate classification (germline): Likely pathogenic (0 of 4 stars; one submission).

Conditions:
Sucrase-isomaltase deficiency (CSID). Also called: Deficiency of isomaltase; SI DEFICIENCY; Congenital sucrose isomaltose malabsorption; Sucrose isomaltose enzyme deficiency. Identifiers: Orphanet 35122, MedGen C1283620, MONDO:0009114, OMIM 222900.

Submission:

Fulgent Genetics
Classification: Likely pathogenic for Sucrase-isomaltase deficiency. Review status: no assertion criteria provided. Collection method: clinical testing. Allele origin: unknown.
Comment: This variant has been detected in individual(s) who were sent for testing of Renasight - kidney gene panel.